The following is an entry in ClinVar:

ClinVar aggregate classification (germline): Likely pathogenic (1 of 4 stars; one submission).

Conditions:
Methylmalonic aciduria and homocystinuria type cblF. Also called: METHYLMALONIC ACIDEMIA AND HOMOCYSTINURIA, cblF TYPE; METHYLMALONIC ACIDURIA DUE TO VITAMIN B12-RELEASE DEFECT; VITAMIN B12 LYSOSOMAL RELEASE DEFECT; VITAMIN B12 STORAGE DISEASE; COBALAMIN F DISEASE; COBALAMIN, DEFECT IN LYSOSOMAL RELEASE OF. Identifiers: Orphanet 79284, MedGen C1848578, MONDO:0010183, OMIM 277380.

Submission:

Labcorp Genetics (formerly Invitae), Labcorp
Classification: Likely pathogenic for Methylmalonic aciduria and homocystinuria type cblF. Last evaluated: 2023-05-30. Review status: criteria provided, single submitter. Criteria: Invitae Variant Classification Sherloc (09022015). Collection method: clinical testing. Allele origin: germline.
Comment: In summary, the currently available evidence indicates that the variant is pathogenic, but additional data are needed to prove that conclusively. Therefore, this variant has been classified as Likely Pathogenic. Algorithms developed to predict the effect of sequence changes on RNA splicing suggest that this variant may disrupt the consensus splice site. This variant has not been reported in the literature in individuals affected with LMBRD1-related conditions. This variant is not present in population databases (gnomAD no frequency). This sequence change affects an acceptor splice site in intron 8 of the LMBRD1 gene. It is expected to disrupt RNA splicing. Variants that disrupt the donor or acceptor splice site typically lead to a loss of protein function (PMID: 16199547), and loss-of-function variants in LMBRD1 are known to be pathogenic (PMID: 19136951, 21303734).

Literature cited by the submitters: PubMed 16199547; PubMed 19136951; PubMed 21303734.

NM_018368.4(LMBRD1):c.763-2A>C

Gene: LMBRD1 (LMBR1 domain containing 1; minus strand). Cytogenetic location: 6q13.
Variant type: single nucleotide variant.
Coding change: c.763-2A>C on transcript NM_018368.4 (MANE Select); the canonical splice acceptor site of the intron before coding-DNA position 763, A replaced by C.
Molecular consequence: splice acceptor variant.
Genome position (GRCh38, 1-based): chr6:69,713,799, T>G on the plus strand (A>C on the coding strand, the complement: LMBRD1 is on the minus strand). VCF-style: chr6-69713799-T-G. GRCh37 (hg19) VCF-style: chr6-70423691-T-G.
Other names: c.544-2A>C (NM_001367272.1, NM_001367271.1, NM_001363722.2).
Identifiers: ClinVar variation 2974735 (VCV002974735.3), dbSNP rs2481328329, ClinGen allele CA364667662.